The following is an entry in ClinVar:

NM_000256.3(MYBPC3):c.2836_2841delinsACACAA (p.Ala946_His947delinsThrGln)

Gene: MYBPC3 (myosin binding protein C3; minus strand). Cytogenetic location: 11p11.2.
Variant type: Indel.
Coding change: c.2836_2841delinsACACAA on transcript NM_000256.3 (MANE Select); coding-DNA positions 2836 to 2841, GCACAC replaced by ACACAA.
Protein change: p.Ala946_His947delinsThrGln.
Molecular consequence: missense variant.
Genome position (GRCh38, 1-based): chr11:47,335,106-47,335,111, GTGTGC replaced by TTGTGT on the plus strand (GCACAC replaced by ACACAA on the coding strand, the reverse complement: MYBPC3 is on the minus strand). VCF-style: chr11-47335106-GTGTGC-TTGTGT. GRCh37 (hg19) VCF-style: chr11-47356657-GTGTGC-TTGTGT.
Identifiers: ClinVar variation 2497959 (VCV002497959.1), dbSNP rs2495744410, ClinGen allele CA2580084265.
Genomic context (GRCh38, chr11:47,335,106, plus strand): 5'-GATCTCCTGCACTGTCACCGGCTCCGTGGTGGTAACAGGGGCTCCAGGCCCTGCCATATT[GTGTGC>TTGTGT]CCGCACTCGGAAAAGCAGCCGGGCCCCCGTGGGCAGGTCCTTCACCAGTATCGATGTGTG-3'

ClinVar aggregate classification (germline): Uncertain significance (1 of 4 stars; one submission).

Submission:

GeneDx
Classification: Uncertain significance. Last evaluated: 2022-10-10. Review status: criteria provided, single submitter. Criteria: GeneDx Variant Classification Process June 2021. Collection method: clinical testing. Allele origin: germline. Affected: yes.
Comment: Not observed at significant frequency in large population cohorts (gnomAD); In-frame deletion of 2 amino acids and insertion of 2 amino acids in a non-repeat region; In silico analysis supports a deleterious effect on protein structure/function; Has not been previously published as pathogenic or benign to our knowledge